The following is an entry in ClinVar:

ClinVar aggregate classification (germline): Pathogenic/Likely pathogenic. Review status: criteria provided, multiple submitters, no conflicts (2 of 4 stars). 12 submissions from 12 submitters: Pathogenic (8); Likely pathogenic (1). 3 of the submissions do not count toward it. Last evaluated 2025-04-13.

Conditions:
COL3A1-related disorder. Also called: COL3A1-related condition.
Familial thoracic aortic aneurysm and aortic dissection (TAAD). Also called: Thoracic aortic aneurysms and dissections. Identifiers: Orphanet 91387, MedGen C4707243, MONDO:0019625.
Ehlers-Danlos syndrome, type 4 (EDSVASC). Also called: Ehlers-Danlos syndrome vascular type; Ehlers Danlos syndrome, ecchymotic type; Ehlers Danlos syndrome, arterial type; Ehlers Danlos syndrome, Sack-Barabas type; Ehlers-Danlos Syndrome Type IV. Identifiers: Orphanet 286, MedGen C0268338, MONDO:0017314, OMIM 130050.

Submissions (12):

Labcorp Genetics (formerly Invitae), Labcorp
Classification: Pathogenic for Ehlers-Danlos syndrome, type 4. Last evaluated: 2025-04-13. Review status: criteria provided, single submitter. Criteria: Invitae Variant Classification Sherloc (09022015). Collection method: clinical testing. Allele origin: germline.
Comment: This sequence change replaces glycine, which is neutral and non-polar, with serine, which is neutral and polar, at codon 582 of the COL3A1 protein (p.Gly582Ser). This variant is not present in population databases (gnomAD no frequency). This missense change has been observed in individuals with vascular Ehlers-Danlos syndrome (PMID: 8990011, 10706896, 29543232, 30793832, 30919682). This variant is also known as p.Gly415Ser. ClinVar contains an entry for this variant (Variation ID: 17225). Invitae Evidence Modeling of protein sequence and biophysical properties (such as structural, functional, and spatial information, amino acid conservation, physicochemical variation, residue mobility, and thermodynamic stability) indicates that this missense variant is expected to disrupt COL3A1 protein function with a positive predictive value of 95%. This variant disrupts the triple helix domain of COL3A1. Glycine residues within the Gly-Xaa-Yaa repeats of the triple helix domain are required for the structure and stability of fibrillar collagens (PMID: 7695699, 8218237, 19344236). In COL3A1, variants that affect these glycine residues are significantly enriched in individuals with disease (PMID: 24922459, 25758994) compared to the general population (ExAC). For these reasons, this variant has been classified as Pathogenic.

GeneDx
Classification: Pathogenic. Last evaluated: 2025-03-31. Review status: criteria provided, single submitter. Criteria: GeneDx Variant Classification Process June 2021. Collection method: clinical testing. Allele origin: germline. Affected: yes.
Comment: Not observed at significant frequency in large population cohorts (gnomAD); Published functional studies demonstrate a damaging effect via decreased thermal stability and temperature sensitive secretion of procollagen (PMID: 8990011); Occurs in the triple helical domain and replaces the glycine in the canonical Gly-X-Y repeat; missense substitution of a canonical glycine residue is expected to disrupt normal protein folding and function, and this is an established mechanism of disease (HGMD); In silico analysis supports that this missense variant has a deleterious effect on protein structure/function; Also known as p.(G415S); This variant is associated with the following publications: (PMID: 10706896, 24922459, 25758994, 30919682, 30793832, 29543232, 30474650, 38623759, 8990011)

Ambry Genetics
Classification: Pathogenic for Familial thoracic aortic aneurysm and aortic dissection. Last evaluated: 2024-07-15. Review status: criteria provided, single submitter. Criteria: Ambry Variant Classification Scheme 2023. Collection method: clinical testing. Allele origin: germline.
Comment: The p.G582S pathogenic mutation (also known as c.1744G>A), located in coding exon 24 of the COL3A1 gene, results from a G to A substitution at nucleotide position 1744. The glycine at codon 582 is replaced by serine, an amino acid with similar properties. The majority (approximately two-thirds) of COL3A1 mutations identified to date have involved the substitution of another amino acid for glycine within the triple-helical domain (Pepin MG et al. Genet Med. 2014;16(12):881-8; Frank M et al. Eur J Hum Genet. 2015;23(12):1657-64). This variant (also referred to as p.G415S) has been detected in individuals with features consistent with vascular Ehlers-Danlos syndrome (Anderson DW et al. Hum Mutat, 1997;9:62-3; Frank M et al. Eur J Hum Genet, 2015 Dec;23:1657-64; Pepin MG et al. Genet Med, 2014 Dec;16:881-8; Weerakkody R et al. Genet Med, 2018 Nov;20:1414-1422; Shalhub S et al. Am J Med Genet A, 2019 May;179:797-802; Demirdas S et al. Circ Genom Precis Med, 2024 Jun;17:e003978). Internal structural analysis indicates that this alteration disrupts the characteristic G-X-Y motif in the COL3A1 protein and inserts a bulky side chain into a sterically-constrained region (Bella J et al. Science. 1994;266:75-81; Hohenester E et al. Proc. Natl. Acad. Sci. U.S.A. 2008;105:18273-7; Ambry internal data). This variant is considered to be rare based on population cohorts in the Genome Aggregation Database (gnomAD). Based on the supporting evidence, this variant is interpreted as a disease-causing mutation.

Blueprint Genetics
Classification: Pathogenic for COL3A1-related disorders. Last evaluated: 2024-06-03. Review status: criteria provided, single submitter. Criteria: ACMG Guidelines, 2015. Collection method: clinical testing. Allele origin: germline. Affected: yes. Observed: 4 variant alleles.

PreventionGenetics, part of Exact Sciences
Classification: Pathogenic for COL3A1-related condition. Last evaluated: 2023-07-28. Review status: criteria provided, single submitter. Criteria: ACMG Guidelines, 2015. Collection method: clinical testing. Allele origin: germline.
Comment: The COL3A1 c.1744G>A variant is predicted to result in the amino acid substitution p.Gly582Ser. This variant was reported in individuals with Ehlers-Danlos syndrome IV (vascular type) (Anderson et al. 1997. PubMed ID: 8990011, reported as p.Gly415Ser; Legrand et al. 2018. PubMed ID: 30474650; Henneton et al. 2019. PubMed ID: 30919682; Pepin et al. 2000. PubMed ID: 10706896, reported as Gly415Ser). This variant was also reported as pathogenic in another patient with aneurysm (Weerakkody et al. 2018. PubMed ID: 29543232). In addition, a different variant affecting the same amino acid residue (p.Gly582SArg) was reported to be pathogenic for Ehlers-Danlos Syndrome (Kerwin et al. 2008. PubMed ID: 18043893). This variant impacts a glycine residue of the highly conserved collagen triple helical domain (Gly-X-Y) where Gly substitutions are expected to be pathogenic. This variant has not been reported in a large population database, indicating this variant is rare. This variant is interpreted as pathogenic.

All of Us Research Program, National Institutes of Health
Classification: Pathogenic for Ehlers-Danlos syndrome, type 4. Last evaluated: 2023-06-26. Review status: criteria provided, single submitter. Criteria: ACMG Guidelines, 2015. Collection method: clinical testing. Allele origin: germline. Inheritance: Autosomal dominant inheritance. Observed: 1 variant allele, 1 heterozygote.
Comment: This missense variant replaces glycine with serine at codon 582 of the COL3A1 protein. This variant changes one of the conserved glycine residues within the Gly-Xaa-Yaa repeat motifs of the triple helical domain of the COL3A1 protein that are required for the structure and stability of fibrillar collagens (PMID: 7695699, 8218237, 19344236). Computational prediction suggests that this variant may have deleterious impact on protein structure and function (internally defined REVEL score threshold >= 0.7, PMID: 27666373). This variant has been reported in several individuals affected with vascular Ehlers-Danlos syndrome (PMID: 24922459, 25758994, 30793832), and in an individual affected with thoracic aortic aneurysm and dissection (PMID: 29543232). This variant has not been identified in the general population by the Genome Aggregation Database (gnomAD). Based on the available evidence, this variant is classified as Pathogenic.

This study involves interpretation of variants in research participants for the purpose of population health screening. Participant phenotype was not available at the time of variant classification. Additional details can be found in publication PMID: 35346344, PMCID: PMC8962531

CeGaT Center for Human Genetics Tuebingen
Classification: Pathogenic. Last evaluated: 2022-01-01. Review status: criteria provided, single submitter. Criteria: CeGaT Center For Human Genetics Tuebingen Variant Classification Criteria Version 2. Collection method: clinical testing. Allele origin: germline. Affected: yes. Observed: 1 variant allele.

Laboratory for Molecular Medicine, Mass General Brigham Personalized Medicine
Classification: Pathogenic for Ehlers-Danlos syndrome, type 4. Last evaluated: 2019-04-17. Review status: criteria provided, single submitter. Criteria: ACMG Guidelines, 2015. Collection method: clinical testing. Allele origin: germline. Inheritance: Autosomal dominant inheritance.
Comment: The p.Gly582Ser variant in COL3A1 has been identified in at least 7 individuals with vascular Ehlers Danlos syndrome (vEDS) and one individual with thoracic arotic aneurysm and dissection (TAAD) (Anderson 1997; Frank 2015, Pepin 2010, Pepin 2014, Weerakkody 2018, Shalhub 2019). In vitro studies provide some evidence that this variant impacts protein function (Anderson 1997). It was also absent from large population studies. In addition, 2 other variants at the same position (p.Gly584Cys and p.Gly582Arg) have also been identified in individuals with vEDS, suggesting that changes at this position are not tolerated. Furthermore, this variant affects the conserved glycine (Gly) residue of the Gly-X-Y repeat region in the triple helical collagen domain, which is a common finding in individuals with vEDS. In summary, this variant meets criteria to be classified as pathogenic for autosomal dominant vascular Ehlers Danlos syndrome. ACMG/AMP Criteria applied: PM1; PM2; PP3; PS4_Strong, PS3_Supporting.

Stanford Center for Inherited Cardiovascular Disease, Stanford University
Classification: Likely pathogenic. Last evaluated: 2011-08-15. Review status: criteria provided, single submitter. Criteria: ACMG Guidelines, 2015. Collection method: provider interpretation. Allele origin: germline.

OMIM
Classification: Pathogenic for EHLERS-DANLOS SYNDROME, VASCULAR TYPE. Last evaluated: 2000-03-09. Review status: no assertion criteria provided. Collection method: literature only. Allele origin: germline. Not counted in ClinVar's aggregate classification.

Centre for Genomic and Experimental Medicine, University of Edinburgh
Classification: Pathogenic for Familial thoracic aortic aneurysm and aortic dissection. Review status: no assertion criteria provided. Collection method: research. Allele origin: unknown. Affected: yes. Not counted in ClinVar's aggregate classification.

Collagen Diagnostic Laboratory, University of Washington
Classification: Pathogenic for Ehlers-Danlos syndrome, type 4. Review status: no assertion criteria provided. Collection method: clinical testing. Allele origin: germline. Affected: yes. Not counted in ClinVar's aggregate classification.

Literature cited by the submitters: PubMed 8990011 (cited by 3 submitters); PubMed 10706896 (cited by 3 submitters); PubMed 29543232 (cited by 3 submitters); PubMed 30793832 (cited by 3 submitters); PubMed 30919682 (cited by Labcorp Genetics (formerly Invitae), Labcorp); PubMed 7695699 (cited by Labcorp Genetics (formerly Invitae), Labcorp and All of Us Research Program, National Institutes of Health); PubMed 8218237 (cited by Labcorp Genetics (formerly Invitae), Labcorp and All of Us Research Program, National Institutes of Health); PubMed 19344236 (cited by Labcorp Genetics (formerly Invitae), Labcorp and All of Us Research Program, National Institutes of Health); PubMed 24922459 (cited by 3 submitters); PubMed 25758994 (cited by 3 submitters); PubMed 38623759 (cited by Ambry Genetics).

NM_000090.4(COL3A1):c.1744G>A (p.Gly582Ser)

Gene: COL3A1 (collagen type III alpha 1 chain; plus strand). Cytogenetic location: 2q32.2.
Variant type: single nucleotide variant.
Coding change: c.1744G>A on transcript NM_000090.4 (MANE Select); coding-DNA position 1744, G replaced by A.
Protein change: p.Gly582Ser; replaces glycine 582 with serine.
Molecular consequence: missense variant.
Genome position (GRCh38, 1-based): chr2:188,996,479, G>A. VCF-style: chr2-188996479-G-A. GRCh37 (hg19) VCF-style: chr2-189861205-G-A.
Other names: G415S; p.G582S:GGT>AGT.
Identifiers: ClinVar variation 17225 (VCV000017225.47), dbSNP rs121912923, ClinGen allele CA004446.
Genomic context (GRCh38, chr2:188,996,479, plus strand): 5'-CGACCAGGTCCTCCTGGGCCATCTGGTCCCCGAGGTCAGCCTGGTGTCATGGGCTTCCCC[G>A]GTCCTAAAGGAAATGATGTGAGTTCCTTCATTAATTTCTTCAATAAATATTTGACTGGAA-3'
Protein context (NP_000081.2, residues 572-592): RGQPGVMGFP[Gly582Ser]PKGNDGAPGK